The following is an entry in ClinVar:

NM_032217.5(ANKRD17):c.6162G>T (p.Gly2054=)

Gene: ANKRD17 (ankyrin repeat domain 17; minus strand). Cytogenetic location: 4q13.3.
Variant type: single nucleotide variant.
Coding change: c.6162G>T on transcript NM_032217.5 (MANE Select); coding-DNA position 6162, G replaced by T.
Protein change: p.Gly2054=; no amino-acid change (glycine 2054 retained).
Molecular consequence: synonymous variant.
Genome position (GRCh38, 1-based): chr4:73,091,466, C>A on the plus strand (G>T on the coding strand, the complement: ANKRD17 is on the minus strand). VCF-style: chr4-73091466-C-A. GRCh37 (hg19) VCF-style: chr4-73957183-C-A.
Other names: c.5823G>T, p.Gly1941= (NM_001286771.3); c.6159G>T, p.Gly2053= (NM_015574.2); c.5409G>T, p.Gly1803= (NM_198889.3).
Identifiers: ClinVar variation 4986194 (VCV004986194.1).

ClinVar aggregate classification (germline): Likely benign (1 of 4 stars; one submission).

Conditions:
ANKRD17-related disorder. Also called: ANKRD17-related condition.

gnomAD v4.1: 1 of 1,614,004 alleles (0.000062%); highest among the groups gnomAD compares: African/African-American, 0.0013%; no homozygotes.

Submission:

PreventionGenetics, part of Exact Sciences
Classification: Likely benign for ANKRD17-related condition. Last evaluated: 2026-09-03. Review status: criteria provided, single submitter. Criteria: ACMG Guidelines, 2015. Collection method: clinical testing. Allele origin: germline.
Comment: This variant is classified as likely benign based on ACMG/AMP sequence variant interpretation guidelines (Richards et al. 2015 PMID: 25741868, with internal and published modifications).